The following is an entry in ClinVar:

NM_004656.4(BAP1):c.267C>G (p.Asn89Lys)

Gene: BAP1 (BRCA1 associated deubiquitinase 1; minus strand). Cytogenetic location: 3p21.1.
Variant type: single nucleotide variant.
Coding change: c.267C>G on transcript NM_004656.4 (MANE Select); coding-DNA position 267, C replaced by G.
Protein change: p.Asn89Lys; replaces asparagine 89 with lysine.
Molecular consequence: missense variant.
Genome position (GRCh38, 1-based): chr3:52,408,066, G>C on the plus strand (C>G on the coding strand, the complement: BAP1 is on the minus strand). VCF-style: chr3-52408066-G-C. GRCh37 (hg19) VCF-style: chr3-52442082-G-C.
Other names: short protein forms N89K.
Identifiers: ClinVar variation 1039505 (VCV001039505.5), dbSNP rs1705222834, ClinGen allele CA353112644.
Genomic context (GRCh38, chr3:52,408,066, plus strand): 5'-TCCCAGGTCCACGCTGCTGCAGTTCAGGAGCACGCTCAGCAAGGCATGAGTTGCACAAGA[G>C]TTGGGTATCAGCTGTGAAACCAAGAATAGTCACCCATACACAGCACCCCTCACTGCAAGC-3'
Protein context (NP_004647.1, residues 79-99): NMFFAHQLIP[Asn89Lys]SCATHALLSV

ClinVar aggregate classification (germline): Uncertain significance (1 of 4 stars; one submission).

Conditions:
BAP1-related tumor predisposition syndrome (TPDS1). Also called: BAP1 tumor predisposition syndrome; Tumor susceptibility linked to germline BAP1 mutations; COMMON Syndrome; TUMOR PREDISPOSITION SYNDROME 1. Identifiers: Orphanet 289539, MedGen C3280492, MONDO:0013692, OMIM 614327.

Submission:

Labcorp Genetics (formerly Invitae), Labcorp
Classification: Uncertain significance for BAP1-related tumor predisposition syndrome. Last evaluated: 2020-10-29. Review status: criteria provided, single submitter. Criteria: Invitae Variant Classification Sherloc (09022015). Collection method: clinical testing. Allele origin: germline.
Comment: In summary, the available evidence is currently insufficient to determine the role of this variant in disease. Therefore, it has been classified as a Variant of Uncertain Significance. Algorithms developed to predict the effect of missense changes on protein structure and function are either unavailable or do not agree on the potential impact of this missense change (SIFT: "Deleterious"; PolyPhen-2: "Benign"; Align-GVGD: "Class C65"). This variant has not been reported in the literature in individuals with BAP1-related conditions. This variant is not present in population databases (ExAC no frequency). This sequence change replaces asparagine with lysine at codon 89 of the BAP1 protein (p.Asn89Lys). The asparagine residue is highly conserved and there is a moderate physicochemical difference between asparagine and lysine.